The following is an entry in ClinVar:

NM_133474.4(ZNF721):c.951C>T (p.Ser317=)

Gene: ZNF721 (zinc finger protein 721; minus strand). Cytogenetic location: 4p16.3.
Variant type: single nucleotide variant.
Coding change: c.951C>T on transcript NM_133474.4 (MANE Select); coding-DNA position 951, C replaced by T.
Protein change: p.Ser317=; no amino-acid change (serine 317 retained).
Molecular consequence: synonymous variant.
Genome position (GRCh38, 1-based): chr4:443,516, G>A on the plus strand (C>T on the coding strand, the complement: ZNF721 is on the minus strand). VCF-style: chr4-443516-G-A. GRCh37 (hg19) VCF-style: chr4-437305-G-A.
Identifiers: ClinVar variation 2654526 (VCV002654526.24), dbSNP rs368622788, ClinGen allele CA2792563.

ClinVar aggregate classification (germline): Likely benign (1 of 4 stars; one submission).

Allele frequency attached by ClinVar (database versions not stated): ESP Exome Variant Server 0.00032; ExAC 0.00046.

Submission:

CeGaT Center for Human Genetics Tuebingen
Classification: Likely benign. Last evaluated: 2022-06-01. Review status: criteria provided, single submitter. Criteria: CeGaT Center For Human Genetics Tuebingen Variant Classification Criteria Version 2. Collection method: clinical testing. Allele origin: germline. Affected: yes. Observed: 1 variant allele.
Comment: ZNF721: BP4, BP7